The following is an entry in ClinVar:

ClinVar aggregate classification (germline): Benign. Review status: criteria provided, multiple submitters, no conflicts (2 of 4 stars). 2 submissions from 2 submitters: Benign (2). Last evaluated 2018-01-12.

Conditions:
Behavior disorder. Also called: Behavioral disorder. Identifiers: MedGen C0004930.

Allele frequency attached by ClinVar (database versions not stated): gnomAD 0.55653 and 0.55860; TOPMed 0.57448; 1000 Genomes Project 30x 0.63367; 1000 Genomes Project 0.63558.

Submissions (2):

Illumina Laboratory Services, Illumina
Classification: Benign for Behavior disorder. Last evaluated: 2018-01-12. Review status: criteria provided, single submitter. Criteria: ICSL Variant Classification Criteria 13 December 2019. Collection method: clinical testing. Allele origin: germline.
Comment: This variant was observed in the ICSL laboratory as part of a predisposition screen in an ostensibly healthy population. It had not been previously curated by ICSL or reported in the Human Gene Mutation Database (HGMD: prior to June 1st, 2018), and was therefore a candidate for classification through an automated scoring system. Utilizing variant allele frequency, disease prevalence and penetrance estimates, and inheritance mode, an automated score was calculated to assess if this variant is too frequent to cause the disease. Based on the score and internal cut-off values, a variant classified as benign is not then subjected to further curation. The score for this variant resulted in a classification of benign for this disease.

Breakthrough Genomics
Classification: Benign. Review status: criteria provided, single submitter. Criteria: ACMG Guidelines, 2015. Collection method: not provided. Allele origin: germline. Inheritance: Autosomal dominant inheritance. Affected: yes.

NM_001045.6(SLC6A4):c.*2353A>G

Gene: SLC6A4 (solute carrier family 6 member 4; minus strand). Cytogenetic location: 17q11.2.
Variant type: single nucleotide variant.
Coding change: c.*2353A>G on transcript NM_001045.6 (MANE Select); 2353 bases downstream of the stop codon, A replaced by G.
Molecular consequence: 3 prime UTR variant.
Genome position (GRCh38, 1-based): chr17:30,196,103, T>C on the plus strand (A>G on the coding strand, the complement: SLC6A4 is on the minus strand). VCF-style: chr17-30196103-T-C. GRCh37 (hg19) VCF-style: chr17-28523121-T-C.
Identifiers: ClinVar variation 891372 (VCV000891372.5), dbSNP rs8066731, ClinGen allele CA15909892.